The following is an entry in ClinVar:

NC_012920.1(MT-ND2):m.5133_5134del

Gene: MT-ND2 (mitochondrially encoded NADH dehydrogenase 2; plus strand).
Variant type: Deletion.
Genome position: chrM-5131-TAA-T.
Identifiers: ClinVar variation 9719 (VCV000009719.2), dbSNP rs199476116, ClinGen allele CA120641.

ClinVar aggregate classification (germline): Uncertain significance. Review status: reviewed by expert panel (3 of 4 stars). 2 submissions from 2 submitters: Uncertain significance (1). 1 of the submissions does not count toward it. Last evaluated 2023-10-09.

Conditions:
Mitochondrial disease. Also called: Mitochondrial disorder; Mitochondrial disorders. Identifiers: Orphanet 68380, MedGen C0751651, MeSH D028361, MONDO:0044970.
Mitochondrial complex I deficiency. Also called: NADH:Q(1) OXIDOREDUCTASE DEFICIENCY. Identifiers: Orphanet 2609, MedGen C1838979, MeSH C537475, MONDO:0100133.

Submissions (2):

ClinGen Mitochondrial Disease Nuclear and Mitochondrial  Variant Curation Expert Panel, ClinGen
Classification: Uncertain significance for Mitochondrial disease. Last evaluated: 2023-10-09. Review status: reviewed by expert panel. Criteria: McCormick et al. (Hum Mutat. 2020). Collection method: curation. Allele origin: germline. Inheritance: Mitochondrial inheritance.
Comment: The variant was present at 93% heteroplasmy (PMID:19273755). This variant is absent in the GenBank dataset, Helix dataset, and gnomAD v3.1.2 (PM2_supporting). There are no in silico predictors for this type of variant in mitochondrial DNA. There are no cybrids, single fiber studies, or other functional assays reported on this variant. This 2 base pair deletion starting at amino acid L221 in the MT-ND2 gene results in a stop codon at position 251 (L251Ter). This results in a truncated MT-ND2 gene product (PM4). Of note, this expert panel considered whether this variant should be reviewed for several reasons: (1) analysis of the mitochondrial genome was limited at the time of this report in 2002, raising concern on whether this variant was truly present in the proband or technical artifact; (2) it is possible the variant was present in the nuclear DNA but erroneously assigned to mitochondrial DNA; (3) nuclear DNA etiologies were not assessed in this proband; and (4) there are no other validated occurrences of paternal inheritance of mitochondrial DNA. However, this expert panel elected to review this variant with the current evidence and it meets criteria to be classified as uncertain significance for primary mitochondrial disease inherited in a mitochondrial manner. This classification was approved by the NICHD/NINDS U24 ClinGen Mitochondrial Disease Variant Curation Expert Panel on October 9, 2023. Mitochondrial DNA-specific ACMG/AMP criteria applied (PMID: 32906214): PS2_supporting, PM2_supporting, PM4.

OMIM
Classification: Pathogenic for MITOCHONDRIAL COMPLEX I DEFICIENCY. Last evaluated: 2002-08-22. Review status: no assertion criteria provided. Collection method: literature only. Allele origin: germline. Not counted in ClinVar's aggregate classification.

Literature cited by the submitters: PubMed 1857422 (cited by OMIM); PubMed 9854792 (cited by OMIM); PubMed 12192017 (cited by OMIM).